The following is an entry in ClinVar:

NM_001135649.3(FOXI3):c.338C>T (p.Ala113Val)

Gene: FOXI3 (forkhead box I3; minus strand). Cytogenetic location: 2p11.2.
Variant type: single nucleotide variant.
Coding change: c.338C>T on transcript NM_001135649.3 (MANE Select); coding-DNA position 338, C replaced by T.
Protein change: p.Ala113Val; replaces alanine 113 with valine.
Molecular consequence: missense variant.
Genome position (GRCh38, 1-based): chr2:88,452,198, G>A on the plus strand (C>T on the coding strand, the complement: FOXI3 is on the minus strand). VCF-style: chr2-88452198-G-A. GRCh37 (hg19) VCF-style: chr2-88751717-G-A.
Other names: short protein forms A113V.
Identifiers: ClinVar variation 1441349 (VCV001441349.6), dbSNP rs1429248333, ClinGen allele CA347766561.

ClinVar aggregate classification (germline): Uncertain significance (1 of 4 stars; one submission).

Allele frequency attached by ClinVar (database versions not stated): gnomAD exomes 0.00004.
gnomAD v4.1: 52 of 1,197,856 alleles (0.0043%); highest among the groups gnomAD compares: Non-Finnish European, 0.0049%; no homozygotes.

Submission:

Labcorp Genetics (formerly Invitae), Labcorp
Classification: Uncertain significance. Last evaluated: 2025-10-05. Review status: criteria provided, single submitter. Criteria: Invitae Variant Classification Sherloc (09022015). Collection method: clinical testing. Allele origin: germline.
Comment: This sequence change replaces alanine, which is neutral and non-polar, with valine, which is neutral and non-polar, at codon 113 of the FOXI3 protein (p.Ala113Val). The frequency data for this variant in the population databases is considered unreliable, as metrics indicate poor data quality at this position in the gnomAD database. This variant has not been reported in the literature in individuals affected with FOXI3-related conditions. ClinVar contains an entry for this variant (Variation ID: 1441349). Experimental studies and prediction algorithms are not available or were not evaluated, and the functional significance of this variant is currently unknown. In summary, the available evidence is currently insufficient to determine the role of this variant in disease. Therefore, it has been classified as a Variant of Uncertain Significance.